The following is an entry in ClinVar:

ClinVar aggregate classification (germline): Uncertain significance (1 of 4 stars; one submission).

gnomAD v4.1: 2 of 1,613,944 alleles (0.00012%); highest among the groups gnomAD compares: African/African-American, 0.0027%; no homozygotes.

Submission:

Ambry Genetics
Classification: Uncertain significance. Last evaluated: 2026-02-22. Review status: criteria provided, single submitter. Criteria: Ambry Variant Classification Scheme 2023. Collection method: clinical testing. Allele origin: germline.
Comment: The p.V154L variant (also known as c.460G>C), located in coding exon 1 of the TET2 gene, results from a G to C substitution at nucleotide position 460. The valine at codon 154 is replaced by leucine, an amino acid with highly similar properties. This amino acid position is conserved. In addition, this alteration is predicted to be tolerated by in silico analysis. Based on the available evidence, the clinical significance of this variant remains unclear.

NM_001127208.3(TET2):c.460G>C (p.Val154Leu)

Genes: TET2 (tet methylcytosine dioxygenase 2; plus strand), TET2-AS1 (TET2 antisense RNA 1; minus strand). Cytogenetic location: 4q24.
Variant type: single nucleotide variant.
Coding change: c.460G>C on transcript NM_001127208.3 (MANE Select); coding-DNA position 460, G replaced by C.
Protein change: p.Val154Leu; replaces valine 154 with leucine.
Molecular consequence: missense variant.
Genome position (GRCh38, 1-based): chr4:105,234,402, G>C. VCF-style: chr4-105234402-G-C. GRCh37 (hg19) VCF-style: chr4-106155559-G-C.
Other names: c.460G>C, p.Val154Leu (NM_017628.4); short protein forms V154L.
Identifiers: ClinVar variation 4825024 (VCV004825024.1).